The following is an entry in ClinVar:

ClinVar aggregate classification (germline): Benign. Review status: criteria provided, multiple submitters, no conflicts (2 of 4 stars). 11 submissions from 11 submitters: Benign (8). 3 of the submissions do not count toward it. Last evaluated 2026-02-02.

Conditions:
Autosomal dominant Parkinson disease 8. Also called: LRRK2-Related Parkinson Disease; Parkinson disease 8; Parkinson disease 8, susceptibility to. Identifiers: Orphanet 411602, MedGen C1846862, MONDO:0011764, OMIM 607060.

Allele frequency attached by ClinVar (database versions not stated): ESP Exome Variant Server 0.05336; 1000 Genomes Project 30x 0.05856; TOPMed 0.05950; gnomAD 0.05959 and 0.06033; 1000 Genomes Project 0.06090; gnomAD exomes 0.06882 and 0.07464; ExAC 0.07213.
gnomAD v4.1: 109,762 of 1,613,646 alleles (6.8%); highest among the groups gnomAD compares: Admixed American, 13%; 4,289 homozygotes.

Submissions (11):

Labcorp Genetics (formerly Invitae), Labcorp
Classification: Benign for Autosomal dominant Parkinson disease 8. Last evaluated: 2026-02-02. Review status: criteria provided, single submitter. Criteria: Invitae Variant Classification Sherloc (09022015). Collection method: clinical testing. Allele origin: germline.

Blueprint Genetics
Classification: Benign. Last evaluated: 2024-11-27. Review status: criteria provided, single submitter. Criteria: ACMG Guidelines, 2015. Collection method: clinical testing. Allele origin: germline.

Mayo Clinic Laboratories, Mayo Clinic
Classification: Benign. Last evaluated: 2022-03-24. Review status: criteria provided, single submitter. Criteria: ACMG Guidelines, 2015. Collection method: clinical testing. Allele origin: germline. Observed: 84 variant alleles.

Fulgent Genetics
Classification: Benign for Autosomal dominant Parkinson disease 8. Last evaluated: 2021-09-30. Review status: criteria provided, single submitter. Criteria: ACMG Guidelines, 2015. Collection method: clinical testing. Allele origin: unknown.

GeneDx
Classification: Benign. Last evaluated: 2018-09-04. Review status: criteria provided, single submitter. Criteria: GeneDx Variant Classification Process June 2021. Collection method: clinical testing. Allele origin: germline. Affected: yes.

Illumina Laboratory Services, Illumina
Classification: Benign for Autosomal dominant Parkinson disease 8. Last evaluated: 2018-01-13. Review status: criteria provided, single submitter. Criteria: ICSL Variant Classification Criteria 13 December 2019. Collection method: clinical testing. Allele origin: germline.
Comment: This variant was observed in the ICSL laboratory as part of a predisposition screen in an ostensibly healthy population. It had not been previously curated by ICSL or reported in the Human Gene Mutation Database (HGMD: prior to June 1st, 2018), and was therefore a candidate for classification through an automated scoring system. Utilizing variant allele frequency, disease prevalence and penetrance estimates, and inheritance mode, an automated score was calculated to assess if this variant is too frequent to cause the disease. Based on the score and internal cut-off values, a variant classified as benign is not then subjected to further curation. The score for this variant resulted in a classification of benign for this disease.

Athena Diagnostics
Classification: Benign. Last evaluated: 2017-09-14. Review status: criteria provided, single submitter. Criteria: Athena Diagnostics Criteria. Collection method: clinical testing. Allele origin: germline.

Breakthrough Genomics
Classification: Benign. Review status: criteria provided, single submitter. Criteria: ACMG Guidelines, 2015. Collection method: not provided. Allele origin: germline. Inheritance: Autosomal dominant inheritance. Affected: yes.

Clinical Genetics DNA and cytogenetics Diagnostics Lab, Erasmus MC, Erasmus Medical Center
Classification: Benign. Review status: no assertion criteria provided. Collection method: clinical testing. Allele origin: germline. Affected: yes. Study: VKGL Data-share Consensus. Not counted in ClinVar's aggregate classification.

GeneReviews
No classification provided. Condition: Autosomal dominant Parkinson disease 8. Review status: no classification provided. Collection method: literature only. Allele origin: unknown. Not counted in ClinVar's aggregate classification.

Genome Diagnostics Laboratory, Amsterdam University Medical Center
Classification: Likely benign. Review status: no assertion criteria provided. Collection method: clinical testing. Allele origin: germline. Affected: yes. Study: VKGL Data-share Consensus. Not counted in ClinVar's aggregate classification.

Literature cited by the submitters: PubMed 20301387 (cited by GeneReviews); NCBI Bookshelf NBK1208 (cited by GeneReviews).

NM_198578.4(LRRK2):c.4269G>A (p.Lys1423=)

Gene: LRRK2 (leucine rich repeat kinase 2; plus strand). Cytogenetic location: 12q12.
Variant type: single nucleotide variant.
Coding change: c.4269G>A on transcript NM_198578.4 (MANE Select); coding-DNA position 4269, G replaced by A.
Protein change: p.Lys1423=; no amino-acid change (lysine 1423 retained).
Molecular consequence: synonymous variant.
Genome position (GRCh38, 1-based): chr12:40,309,185, G>A. VCF-style: chr12-40309185-G-A. GRCh37 (hg19) VCF-style: chr12-40702987-G-A.
Other names: p.Lys1423=.
Identifiers: ClinVar variation 39181 (VCV000039181.23), dbSNP rs11175964, ClinGen allele CA343573.